The following is an entry in ClinVar:

NM_001386140.1(MTTP):c.451G>A (p.Gly151Ser)

Gene: MTTP (microsomal triglyceride transfer protein; plus strand). Cytogenetic location: 4q23.
Variant type: single nucleotide variant.
Coding change: c.451G>A on transcript NM_001386140.1 (MANE Select); coding-DNA position 451, G replaced by A.
Protein change: p.Gly151Ser; replaces glycine 151 with serine.
Molecular consequence: missense variant.
Genome position (GRCh38, 1-based): chr4:99,589,700, G>A. VCF-style: chr4-99589700-G-A. GRCh37 (hg19) VCF-style: chr4-100510857-G-A.
Other names: c.451G>A, p.Gly151Ser (NM_000253.4); c.202G>A, p.Gly68Ser (NM_001300785.2); short protein forms G151S, G68S.
Identifiers: ClinVar variation 1209606 (VCV001209606.13), dbSNP rs867316992, ClinGen allele CA102622963.

ClinVar aggregate classification (germline): Uncertain significance. Review status: criteria provided, multiple submitters, no conflicts (2 of 4 stars). 3 submissions from 3 submitters: Uncertain significance (3). Last evaluated 2025-07-01.

Conditions:
Abetalipoproteinaemia (ABL). Also called: MTP DEFICIENCY; Abetalipoproteinemia; Abetalipoproteinemia neuropathy; Apolipoprotein B deficiency; Congenital betalipoprotein deficiency syndrome. Identifiers: Orphanet 14, MedGen C0000744, MONDO:0008692, OMIM 200100, HP:0008181.

Allele frequency attached by ClinVar (database versions not stated): gnomAD exomes below 0.00001.

Submissions (3):

CeGaT Center for Human Genetics Tuebingen
Classification: Uncertain significance. Last evaluated: 2025-07-01. Review status: criteria provided, single submitter. Criteria: CeGaT Center For Human Genetics Tuebingen Variant Classification Criteria Version 2. Collection method: clinical testing. Allele origin: germline. Affected: yes. Observed: 1 variant allele.
Comment: MTTP: PM2

Labcorp Genetics (formerly Invitae), Labcorp
Classification: Uncertain significance. Last evaluated: 2022-07-28. Review status: criteria provided, single submitter. Criteria: Invitae Variant Classification Sherloc (09022015). Collection method: clinical testing. Allele origin: germline.
Comment: This sequence change replaces glycine, which is neutral and non-polar, with serine, which is neutral and polar, at codon 151 of the MTTP protein (p.Gly151Ser). This variant is not present in population databases (gnomAD no frequency). This variant has not been reported in the literature in individuals affected with MTTP-related conditions. ClinVar contains an entry for this variant (Variation ID: 1209606). Algorithms developed to predict the effect of missense changes on protein structure and function are either unavailable or do not agree on the potential impact of this missense change (SIFT: "Deleterious"; PolyPhen-2: "Probably Damaging"; Align-GVGD: "Class C0"). In summary, the available evidence is currently insufficient to determine the role of this variant in disease. Therefore, it has been classified as a Variant of Uncertain Significance.

Genome-Nilou Lab
Classification: Uncertain significance for Abetalipoproteinaemia. Last evaluated: 2021-07-14. Review status: criteria provided, single submitter. Criteria: ACMG Guidelines, 2015. Collection method: clinical testing. Allele origin: germline. Affected: no.